The following is an entry in ClinVar:

ClinVar aggregate classification (germline): Pathogenic (1 of 4 stars; one submission).

Submission:

Labcorp Genetics (formerly Invitae), Labcorp
Classification: Pathogenic. Last evaluated: 2022-09-20. Review status: criteria provided, single submitter. Criteria: Invitae Variant Classification Sherloc (09022015). Collection method: clinical testing. Allele origin: germline.
Comment: For these reasons, this variant has been classified as Pathogenic. This variant has not been reported in the literature in individuals affected with SERPING1-related conditions. This variant is a gross deletion of the genomic region encompassing exon(s) 1-4 of the SERPING1 gene, which includes the initiator codon. This deletion extends beyond the assayed region for this gene and therefore may encompass additional genes. It is expected to result in an absent or disrupted protein product. Loss-of-function variants in SERPING1 are known to be pathogenic (PMID: 11112899, 24456027).

Literature cited by the submitters: PubMed 11112899; PubMed 24456027.

NC_000011.9:g.(?_57365055)_(57369662_?)del

Gene: SERPING1 (serpin family G member 1; plus strand). Cytogenetic location: 11q12.1.
Variant type: Deletion.
Identifiers: ClinVar variation 1454473 (VCV001454473.5).